The following is an entry in ClinVar:

NM_002637.4(PHKA1):c.751A>G (p.Thr251Ala)

Gene: PHKA1 (phosphorylase kinase regulatory subunit alpha 1; minus strand). Cytogenetic location: Xq13.1.
Variant type: single nucleotide variant.
Coding change: c.751A>G on transcript NM_002637.4 (MANE Select); coding-DNA position 751, A replaced by G.
Protein change: p.Thr251Ala; replaces threonine 251 with alanine.
Molecular consequence: missense variant.
Genome position (GRCh38, 1-based): chrX:72,666,264, T>C on the plus strand (A>G on the coding strand, the complement: PHKA1 is on the minus strand). VCF-style: chrX-72666264-T-C. GRCh37 (hg19) VCF-style: chrX-71886114-T-C.
Other names: c.751A>G, p.Thr251Ala (NM_001122670.2, NM_001172436.2); short protein forms T251A.
Identifiers: ClinVar variation 1302547 (VCV001302547.6), dbSNP rs1318462080, ClinGen allele CA413594322.

ClinVar aggregate classification (germline): Uncertain significance. Review status: criteria provided, multiple submitters, no conflicts (2 of 4 stars). 3 submissions from 3 submitters: Uncertain significance (3). Last evaluated 2025-02-16.

Conditions:
Inborn genetic diseases. Identifiers: MedGen C0950123, MeSH D030342.
Glycogen storage disease IXd (GSD9D). Also called: GSD IXd; Muscle Phosphorylase Kinase Deficiency. Identifiers: Orphanet 715, MedGen C1845151, MONDO:0010362, OMIM 300559.

Allele frequency attached by ClinVar (database versions not stated): TOPMed 0.00002; gnomAD 0.00004.
gnomAD v4.1: 6 of 1,208,115 alleles (0.0005%); highest among the groups gnomAD compares: Non-Finnish European, 0.00067%; no homozygotes.

Submissions (3):

Labcorp Genetics (formerly Invitae), Labcorp
Classification: Uncertain significance for Glycogen storage disease IXd. Last evaluated: 2025-02-16. Review status: criteria provided, single submitter. Criteria: Invitae Variant Classification Sherloc (09022015). Collection method: clinical testing. Allele origin: germline.
Comment: This sequence change replaces threonine, which is neutral and polar, with alanine, which is neutral and non-polar, at codon 251 of the PHKA1 protein (p.Thr251Ala). This variant is not present in population databases (gnomAD no frequency). This variant has not been reported in the literature in individuals affected with PHKA1-related conditions. ClinVar contains an entry for this variant (Variation ID: 1302547). Invitae Evidence Modeling of protein sequence and biophysical properties (such as structural, functional, and spatial information, amino acid conservation, physicochemical variation, residue mobility, and thermodynamic stability) indicates that this missense variant is not expected to disrupt PHKA1 protein function with a negative predictive value of 80%. In summary, the available evidence is currently insufficient to determine the role of this variant in disease. Therefore, it has been classified as a Variant of Uncertain Significance.

Ambry Genetics
Classification: Uncertain significance for Inborn genetic diseases. Last evaluated: 2024-08-12. Review status: criteria provided, single submitter. Criteria: Ambry Variant Classification Scheme 2023. Collection method: clinical testing. Allele origin: germline.

GeneDx
Classification: Uncertain significance. Last evaluated: 2019-06-06. Review status: criteria provided, single submitter. Criteria: GeneDx Variant Classification Process June 2021. Collection method: clinical testing. Allele origin: germline. Affected: yes.
Comment: Not observed in large population cohorts (Lek et al., 2016); In silico analysis, which includes protein predictors and evolutionary conservation, supports that this variant does not alter protein structure/function; Has not been previously published as pathogenic or benign to our knowledge